The following is an entry in ClinVar:

NM_001112741.2(KCNC1):c.1546A>G (p.Asn516Asp)

Gene: KCNC1 (potassium voltage-gated channel subfamily C member 1; plus strand). Cytogenetic location: 11p15.1.
Variant type: single nucleotide variant.
Coding change: c.1546A>G on transcript NM_001112741.2 (MANE Select); coding-DNA position 1546, A replaced by G.
Protein change: p.Asn516Asp; replaces asparagine 516 with aspartic acid.
Molecular consequence: missense variant.
Genome position (GRCh38, 1-based): chr11:17,779,497, A>G. VCF-style: chr11-17779497-A-G. GRCh37 (hg19) VCF-style: chr11-17801044-A-G.
Other names: short protein forms N516D.
Identifiers: ClinVar variation 2581005 (VCV002581005.3), dbSNP rs2497818728, ClinGen allele CA379814108.

ClinVar aggregate classification (germline): Uncertain significance. Review status: criteria provided, multiple submitters, no conflicts (2 of 4 stars). 2 submissions from 2 submitters: Uncertain significance (2). Last evaluated 2024-06-11.

Conditions:
Progressive myoclonic epilepsy type 7. Identifiers: Orphanet 435438, MedGen C4015420, MONDO:0014521, OMIM 616187.

Submissions (2):

Labcorp Genetics (formerly Invitae), Labcorp
Classification: Uncertain significance for Progressive myoclonic epilepsy type 7. Last evaluated: 2024-06-11. Review status: criteria provided, single submitter. Criteria: Invitae Variant Classification Sherloc (09022015). Collection method: clinical testing. Allele origin: germline.
Comment: This sequence change replaces asparagine, which is neutral and polar, with aspartic acid, which is acidic and polar, at codon 516 of the KCNC1 protein (p.Asn516Asp). This variant is not present in population databases (gnomAD no frequency). This variant has not been reported in the literature in individuals affected with KCNC1-related conditions. ClinVar contains an entry for this variant (Variation ID: 2581005). Advanced modeling of protein sequence and biophysical properties (such as structural, functional, and spatial information, amino acid conservation, physicochemical variation, residue mobility, and thermodynamic stability) performed at Invitae indicates that this missense variant is not expected to disrupt KCNC1 protein function with a negative predictive value of 95%. In summary, the available evidence is currently insufficient to determine the role of this variant in disease. Therefore, it has been classified as a Variant of Uncertain Significance.

Dr. med. U. Finckh, Human Genetics, Eurofins MVZ
Classification: Uncertain significance for Progressive myoclonic epilepsy type 7. Last evaluated: 2021-02-16. Review status: criteria provided, single submitter. Criteria: ACMG Guidelines, 2015. Collection method: clinical testing. Allele origin: unknown. Observed: 1 heterozygote.